The following is an entry in ClinVar:

NM_139314.3(ANGPTL4):c.1201G>A (p.Ala401Thr)

Gene: ANGPTL4 (angiopoietin like 4; plus strand). Cytogenetic location: 19p13.2.
Variant type: single nucleotide variant.
Coding change: c.1201G>A on transcript NM_139314.3 (MANE Select); coding-DNA position 1201, G replaced by A.
Protein change: p.Ala401Thr; replaces alanine 401 with threonine.
Molecular consequence: missense variant.
Genome position (GRCh38, 1-based): chr19:8,373,866, G>A. VCF-style: chr19-8373866-G-A. GRCh37 (hg19) VCF-style: chr19-8438750-G-A.
Other names: c.1087G>A, p.Ala363Thr (NM_001039667.3); c.1201G>A (NM_139314.1); short protein forms A363T, A401T.
Identifiers: ClinVar variation 2649197 (VCV002649197.25), dbSNP rs1971179018, ClinGen allele CA403724833.

ClinVar aggregate classification (germline): Conflicting classifications of pathogenicity. Review status: criteria provided, conflicting classifications (1 of 4 stars). 2 submissions from 2 submitters: Uncertain significance (1); Likely benign (1). Last evaluated 2025-08-21.

Allele frequency attached by ClinVar (database versions not stated): gnomAD exomes below 0.00001.
gnomAD v4.1: 3 of 1,613,520 alleles (0.00019%); highest among the groups gnomAD compares: Middle Eastern, 0.017%; no homozygotes.

Submissions (2):

Ambry Genetics
Classification: Uncertain significance. Last evaluated: 2025-08-21. Review status: criteria provided, single submitter. Criteria: Ambry Variant Classification Scheme 2023. Collection method: clinical testing. Allele origin: germline.

CeGaT Center for Human Genetics Tuebingen
Classification: Likely benign. Last evaluated: 2022-09-01. Review status: criteria provided, single submitter. Criteria: CeGaT Center For Human Genetics Tuebingen Variant Classification Criteria Version 2. Collection method: clinical testing. Allele origin: germline. Affected: yes. Observed: 1 variant allele.
Comment: ANGPTL4: PM2, BP4, BS2